The following is an entry in ClinVar:

NM_001352754.2(ARMC9):c.2330C>T (p.Pro777Leu)

Gene: ARMC9 (armadillo repeat containing 9; plus strand). Cytogenetic location: 2q37.1.
Variant type: single nucleotide variant.
Coding change: c.2330C>T on transcript NM_001352754.2 (MANE Select); coding-DNA position 2330, C replaced by T.
Protein change: p.Pro777Leu; replaces proline 777 with leucine.
Molecular consequence: missense variant.
Genome position (GRCh38, 1-based): chr2:231,370,021, C>T. VCF-style: chr2-231370021-C-T. GRCh37 (hg19) VCF-style: chr2-232234732-C-T.
Other names: c.2330C>T, p.Pro777Leu (NM_001271466.4); short protein forms P777L.
Identifiers: ClinVar variation 1514802 (VCV001514802.6), dbSNP rs1023721606, ClinGen allele CA66863860.
Genomic context (GRCh38, chr2:231,370,021, plus strand): 5'-CATCAGCCTTCACCTGCAAGCCCCGGGCCCCCTGCACTCCAGAGATGCTGGACTGGAACC[C>T]ACCCAAGGCAAAGGCGTCAGTTCTGGCCCCTCTGTTCTCTTCGTGTGGCCCCCAGCAGGC-3'
Protein context (NP_001339683.2, residues 767-787): PCTPEMLDWN[Pro777Leu]PKAKASVLAP

ClinVar aggregate classification (germline): Uncertain significance (1 of 4 stars; one submission).

Allele frequency attached by ClinVar (database versions not stated): gnomAD exomes below 0.00001 and 0.00001; TOPMed below 0.00001.
gnomAD v4.1: 1 of 1,535,682 alleles (0.000065%); highest among the groups gnomAD compares: Admixed American, 0.002%; no homozygotes.

Submission:

Labcorp Genetics (formerly Invitae), Labcorp
Classification: Uncertain significance. Last evaluated: 2025-07-28. Review status: criteria provided, single submitter. Criteria: Invitae Variant Classification Sherloc (09022015). Collection method: clinical testing. Allele origin: germline.
Comment: This sequence change replaces proline, which is neutral and non-polar, with leucine, which is neutral and non-polar, at codon 777 of the ARMC9 protein (p.Pro777Leu). This variant is present in population databases (no rsID available, gnomAD 0.004%). This variant has not been reported in the literature in individuals affected with ARMC9-related conditions. ClinVar contains an entry for this variant (Variation ID: 1514802). Experimental studies and prediction algorithms are not available or were not evaluated, and the functional significance of this variant is currently unknown. In summary, the available evidence is currently insufficient to determine the role of this variant in disease. Therefore, it has been classified as a Variant of Uncertain Significance.